The following is an entry in ClinVar:

ClinVar aggregate classification (germline): Uncertain significance. Review status: criteria provided, multiple submitters, no conflicts (2 of 4 stars). 2 submissions from 2 submitters: Uncertain significance (2). Last evaluated 2022-03-12.

Conditions:
Familial hemophagocytic lymphohistiocytosis 5. Also called: STXBP2-Related Familial Hemophagocytic Lymphohistiocytosis (STXBP2-fHLH). Identifiers: Orphanet 540, MedGen C2751293, MONDO:0013135, OMIM 613101.

Allele frequency attached by ClinVar (database versions not stated): TOPMed 0.00001; gnomAD exomes 0.00003 and 0.00005; ExAC 0.00005.
gnomAD v4.1: 41 of 1,613,574 alleles (0.0025%); highest among the groups gnomAD compares: South Asian, 0.037%; 1 homozygote.

Submissions (2):

Labcorp Genetics (formerly Invitae), Labcorp
Classification: Uncertain significance for Familial hemophagocytic lymphohistiocytosis 5. Last evaluated: 2022-03-12. Review status: criteria provided, single submitter. Criteria: Invitae Variant Classification Sherloc (09022015). Collection method: clinical testing. Allele origin: germline.
Comment: This sequence change replaces arginine, which is basic and polar, with tryptophan, which is neutral and slightly polar, at codon 533 of the STXBP2 protein (p.Arg533Trp). This variant is present in population databases (rs747482928, gnomAD 0.03%). This variant has not been reported in the literature in individuals affected with STXBP2-related conditions. ClinVar contains an entry for this variant (Variation ID: 950968). Algorithms developed to predict the effect of missense changes on protein structure and function are either unavailable or do not agree on the potential impact of this missense change (SIFT: "Deleterious"; PolyPhen-2: "Probably Damaging"; Align-GVGD: "Class C0"). In summary, the available evidence is currently insufficient to determine the role of this variant in disease. Therefore, it has been classified as a Variant of Uncertain Significance.

Mayo Clinic Laboratories, Mayo Clinic
Classification: Uncertain significance. Last evaluated: 2021-02-03. Review status: criteria provided, single submitter. Criteria: ACMG Guidelines, 2015. Collection method: clinical testing. Allele origin: germline. Observed: 1 variant allele.

NM_006949.4(STXBP2):c.1597C>T (p.Arg533Trp)

Gene: STXBP2 (syntaxin binding protein 2; plus strand). Cytogenetic location: 19p13.2.
Variant type: single nucleotide variant.
Coding change: c.1597C>T on transcript NM_006949.4 (MANE Select); coding-DNA position 1597, C replaced by T.
Protein change: p.Arg533Trp; replaces arginine 533 with tryptophan.
Molecular consequence: missense variant. On other transcripts: non-coding transcript variant (1).
Genome position (GRCh38, 1-based): chr19:7,647,412, C>T. VCF-style: chr19-7647412-C-T. GRCh37 (hg19) VCF-style: chr19-7712298-C-T.
Other names: c.1588C>T, p.Arg530Trp (NM_001127396.3); c.1630C>T, p.Arg544Trp (NM_001272034.2); short protein forms R533W, R530W, R544W.
Identifiers: ClinVar variation 950968 (VCV000950968.9), dbSNP rs747482928, ClinGen allele CA9144273.